The following is an entry in ClinVar:

NM_003227.4(TFR2):c.690C>G (p.Asp230Glu)

Gene: TFR2 (transferrin receptor 2; minus strand). Cytogenetic location: 7q22.1.
Variant type: single nucleotide variant.
Coding change: c.690C>G on transcript NM_003227.4 (MANE Select); coding-DNA position 690, C replaced by G.
Protein change: p.Asp230Glu; replaces aspartic acid 230 with glutamic acid.
Molecular consequence: missense variant.
Genome position (GRCh38, 1-based): chr7:100,633,265, G>C on the plus strand (C>G on the coding strand, the complement: TFR2 is on the minus strand). VCF-style: chr7-100633265-G-C. GRCh37 (hg19) VCF-style: chr7-100230888-G-C.
Other names: c.177C>G, p.Asp59Glu (NM_001206855.3); short protein forms D230E, D59E.
Identifiers: ClinVar variation 990095 (VCV000990095.2), dbSNP rs41303465, ClinGen allele CA4386752.

ClinVar aggregate classification (germline): Uncertain significance. Review status: criteria provided, single submitter (1 of 4 stars). 2 submissions from 2 submitters: Uncertain significance (1). 1 of the submissions does not count toward it. Last evaluated 2025-11-18.

Conditions:
Hereditary hemochromatosis (HFE). Identifiers: MedGen C0392514, MONDO:0006507. Disease mechanism: loss of function.
Hemochromatosis type 3 (HFE3). Also called: TFR2-Related Hemochromatosis; Hereditary hemochromatosis type 3; HEMOCHROMATOSIS DUE TO DEFECT IN TRANSFERRIN RECEPTOR 2. Identifiers: Orphanet 225123, MedGen C1858664, MONDO:0011417, OMIM 604250.

Allele frequency attached by ClinVar (database versions not stated): gnomAD 0.00001; gnomAD exomes 0.00003 and 0.00007; TOPMed 0.00004; ExAC 0.00005.
gnomAD v4.1: 21 of 1,613,748 alleles (0.0013%); highest among the groups gnomAD compares: Admixed American, 0.033%; no homozygotes.

Submissions (2):

Labcorp Genetics (formerly Invitae), Labcorp
Classification: Uncertain significance for Hereditary hemochromatosis. Last evaluated: 2025-11-18. Review status: criteria provided, single submitter. Criteria: Invitae Variant Classification Sherloc (09022015). Collection method: clinical testing. Allele origin: germline.
Comment: This sequence change replaces aspartic acid, which is acidic and polar, with glutamic acid, which is acidic and polar, at codon 230 of the TFR2 protein (p.Asp230Glu). This variant is present in population databases (rs41303465, gnomAD 0.05%). This variant has not been reported in the literature in individuals affected with TFR2-related conditions. ClinVar contains an entry for this variant (Variation ID: 990095). Invitae Evidence Modeling of protein sequence and biophysical properties (such as structural, functional, and spatial information, amino acid conservation, physicochemical variation, residue mobility, and thermodynamic stability) indicates that this missense variant is not expected to disrupt TFR2 protein function with a negative predictive value of 95%. In summary, the available evidence is currently insufficient to determine the role of this variant in disease. Therefore, it has been classified as a Variant of Uncertain Significance.

Natera, Inc.
Classification: Likely benign for Hereditary hemochromatosis type 3. Last evaluated: 2020-11-04. Review status: no assertion criteria provided. Collection method: clinical testing. Allele origin: germline. Not counted in ClinVar's aggregate classification.